The following is an entry in ClinVar:

ClinVar aggregate classification (germline): Uncertain significance (1 of 4 stars; one submission).

Conditions:
Hypertrophic cardiomyopathy 12. Identifiers: MedGen C2677491, MONDO:0012804, OMIM 612124.
Dilated cardiomyopathy 1M (CMD1M). Identifiers: Orphanet 154, MedGen C1843808, MONDO:0011840, OMIM 607482.

Submission:

Labcorp Genetics (formerly Invitae), Labcorp
Classification: Uncertain significance for Hypertrophic cardiomyopathy 12; Dilated cardiomyopathy 1M. Last evaluated: 2024-11-27. Review status: criteria provided, single submitter. Criteria: Invitae Variant Classification Sherloc (09022015). Collection method: clinical testing. Allele origin: germline.
Comment: This sequence change replaces alanine, which is neutral and non-polar, with glycine, which is neutral and non-polar, at codon 112 of the CSRP3 protein (p.Ala112Gly). This variant is not present in population databases (gnomAD no frequency). This variant has not been reported in the literature in individuals affected with CSRP3-related conditions. ClinVar contains an entry for this variant (Variation ID: 1345193). An algorithm developed to predict the effect of missense changes on protein structure and function (PolyPhen-2) suggests that this variant is likely to be tolerated. In summary, the available evidence is currently insufficient to determine the role of this variant in disease. Therefore, it has been classified as a Variant of Uncertain Significance.

NM_003476.5(CSRP3):c.335C>G (p.Ala112Gly)

Gene: CSRP3 (cysteine and glycine rich protein 3; minus strand). Cytogenetic location: 11p15.1.
Variant type: single nucleotide variant.
Coding change: c.335C>G on transcript NM_003476.5 (MANE Select); coding-DNA position 335, C replaced by G.
Protein change: p.Ala112Gly; replaces alanine 112 with glycine.
Molecular consequence: missense variant.
Genome position (GRCh38, 1-based): chr11:19,186,295, G>C on the plus strand (C>G on the coding strand, the complement: CSRP3 is on the minus strand). VCF-style: chr11-19186295-G-C. GRCh37 (hg19) VCF-style: chr11-19207842-G-C.
Other names: c.166C>G, p.Arg56Gly (NM_001369404.1); short protein forms A112G, R56G.
Identifiers: ClinVar variation 1345193 (VCV001345193.6), dbSNP rs753711278, ClinGen allele CA379887990.